The following is an entry in ClinVar:

ClinVar aggregate classification (germline): Uncertain significance. Review status: criteria provided, multiple submitters, no conflicts (2 of 4 stars). 2 submissions from 2 submitters: Uncertain significance (2). Last evaluated 2024-08-09.

Conditions:
Hereditary nonpolyposis colorectal neoplasms. Identifiers: MedGen C0009405, MeSH D003123.
Hereditary cancer-predisposing syndrome. Also called: Tumor predisposition; Hereditary Cancer Syndrome; Hereditary neoplastic syndrome; Neoplastic Syndromes, Hereditary. Identifiers: Orphanet 140162, MedGen C0027672, MeSH D009386, MONDO:0015356.

Submissions (2):

Ambry Genetics
Classification: Uncertain significance for Hereditary cancer-predisposing syndrome. Last evaluated: 2024-08-09. Review status: criteria provided, single submitter. Criteria: Ambry Variant Classification Scheme 2023. Collection method: clinical testing. Allele origin: germline.
Comment: The p.S220G variant (also known as c.658A>G), located in coding exon 6 of the PMS2 gene, results from an A to G substitution at nucleotide position 658. The serine at codon 220 is replaced by glycine, an amino acid with similar properties. This amino acid position is conserved. In addition, this alteration is predicted to be tolerated by in silico analysis. Based on the available evidence, the clinical significance of this variant remains unclear.

Labcorp Genetics (formerly Invitae), Labcorp
Classification: Uncertain significance for Hereditary nonpolyposis colorectal neoplasms. Last evaluated: 2022-07-19. Review status: criteria provided, single submitter. Criteria: Invitae Variant Classification Sherloc (09022015). Collection method: clinical testing. Allele origin: germline.
Comment: This sequence change replaces serine, which is neutral and polar, with glycine, which is neutral and non-polar, at codon 220 of the PMS2 protein (p.Ser220Gly). In summary, the available evidence is currently insufficient to determine the role of this variant in disease. Therefore, it has been classified as a Variant of Uncertain Significance. Advanced modeling of protein sequence and biophysical properties (such as structural, functional, and spatial information, amino acid conservation, physicochemical variation, residue mobility, and thermodynamic stability) performed at Invitae indicates that this missense variant is not expected to disrupt PMS2 protein function. ClinVar contains an entry for this variant (Variation ID: 1480879). This variant has not been reported in the literature in individuals affected with PMS2-related conditions. This variant is not present in population databases (gnomAD no frequency).

NM_000535.7(PMS2):c.658A>G (p.Ser220Gly)

Gene: PMS2 (PMS1 homolog 2, mismatch repair system component; minus strand). Cytogenetic location: 7p22.1.
Variant type: single nucleotide variant.
Coding change: c.658A>G on transcript NM_000535.7 (MANE Select); coding-DNA position 658, A replaced by G.
Protein change: p.Ser220Gly; replaces serine 220 with glycine.
Molecular consequence: missense variant. On other transcripts: 5 prime UTR variant (2), non-coding transcript variant (1), intron variant (1).
Genome position (GRCh38, 1-based): chr7:5,999,155, T>C on the plus strand (A>G on the coding strand, the complement: PMS2 is on the minus strand). VCF-style: chr7-5999155-T-C. GRCh37 (hg19) VCF-style: chr7-6038786-T-C.
Other names: c.253A>G, p.Ser85Gly (NM_001322003.2, NM_001322004.2, NM_001322005.2 and 2 more transcripts); c.658A>G, p.Ser220Gly (NM_001322006.2, NM_001322014.2); c.340A>G, p.Ser114Gly (NM_001322007.2, NM_001322008.2); c.-276A>G (NM_001322011.2, NM_001322012.2); c.349A>G, p.Ser117Gly (NM_001322015.2); c.133-1732A>G (NM_001322013.2); c.658A>G (NM_000535.5); short protein forms S220G, S114G, S117G, S85G.
Identifiers: ClinVar variation 1480879 (VCV001480879.7), dbSNP rs2128800007, ClinGen allele CA366743904.